The following is an entry in ClinVar:

NM_030665.4(RAI1):c.2275G>T (p.Gly759Ter)

Gene: RAI1 (retinoic acid induced 1; plus strand). Cytogenetic location: 17p11.2.
Variant type: single nucleotide variant.
Coding change: c.2275G>T on transcript NM_030665.4 (MANE Select); coding-DNA position 2275, G replaced by T.
Protein change: p.Gly759Ter; replaces glycine 759 with a stop codon.
Molecular consequence: nonsense.
Genome position (GRCh38, 1-based): chr17:17,795,223, G>T. VCF-style: chr17-17795223-G-T. GRCh37 (hg19) VCF-style: chr17-17698537-G-T.
Other names: short protein forms G759*.
Identifiers: ClinVar variation 280770 (VCV000280770.3), dbSNP rs886041916, ClinGen allele CA10603584.

ClinVar aggregate classification (germline): Pathogenic (1 of 4 stars; one submission).

Submission:

GeneDx
Classification: Pathogenic. Last evaluated: 2024-07-25. Review status: criteria provided, single submitter. Criteria: GeneDx Variant Classification Process June 2021. Collection method: clinical testing. Allele origin: germline. Affected: yes.
Comment: Nonsense variant predicted to result in protein truncation or nonsense mediated decay in a gene for which loss of function is a known mechanism of disease; Not observed at significant frequency in large population cohorts (gnomAD); Has not been previously published as pathogenic or benign to our knowledge